The following is an entry in ClinVar:

ClinVar aggregate classification (germline): Uncertain significance (1 of 4 stars; one submission).

Conditions:
Arrhythmogenic right ventricular cardiomyopathy (ARVD). Also called: Arrhythmogenic right ventricular dysplasia; Cardiomyopathy, ARVC; Arrhythmogenic cardiomyopathy; Arrhythmogenic Right Ventricular Cardiomyopathy (ARVC). Identifiers: Orphanet 247, MedGen C0349788, MeSH D019571, MONDO:0016587. Disease mechanism: loss of function. Inheritance: Various modes of inheritance.

Submission:

All of Us Research Program, National Institutes of Health
Classification: Uncertain significance for Arrhythmogenic right ventricular cardiomyopathy. Last evaluated: 2024-02-22. Review status: criteria provided, single submitter. Criteria: ACMG Guidelines, 2015. Collection method: clinical testing. Allele origin: germline. Inheritance: Autosomal dominant inheritance. Observed: 1 variant allele, 1 heterozygote.
Comment: This missense variant replaces valine with phenylalanine at codon 202 of the PKP2 protein. Computational prediction suggests that this variant may not impact protein structure and function (internally defined REVEL score threshold <= 0.5, PMID: 27666373). To our knowledge, functional studies have not been reported for this variant. This variant has not been reported in individuals affected with PKP2-related disorders in the literature. This variant has not been identified in the general population by the Genome Aggregation Database (gnomAD). The available evidence is insufficient to determine the role of this variant in disease conclusively. Therefore, this variant is classified as a Variant of Uncertain Significance.

This study involves interpretation of variants in research participants for the purpose of population health screening. Participant phenotype was not available at the time of variant classification. Additional details can be found in publication PMID: 35346344, PMCID: PMC8962531

NM_001005242.3(PKP2):c.604G>T (p.Val202Phe)

Gene: PKP2 (plakophilin 2; minus strand). Cytogenetic location: 12p11.21.
Variant type: single nucleotide variant.
Coding change: c.604G>T on transcript NM_001005242.3 (MANE Select); coding-DNA position 604, G replaced by T.
Protein change: p.Val202Phe; replaces valine 202 with phenylalanine.
Molecular consequence: missense variant.
Genome position (GRCh38, 1-based): chr12:32,878,276, C>A on the plus strand (G>T on the coding strand, the complement: PKP2 is on the minus strand). VCF-style: chr12-32878276-C-A. GRCh37 (hg19) VCF-style: chr12-33031210-C-A.
Other names: c.604G>T, p.Val202Phe (NM_001407155.1, NM_001407156.1, NM_001407157.1 and 2 more transcripts); c.277G>T, p.Val93Phe (NM_001407158.1, NM_001407159.1, NM_001407160.1 and 1 more transcripts); short protein forms V202F, V93F.
Identifiers: ClinVar variation 3387497 (VCV003387497.1).
Genomic context (GRCh38, chr12:32,878,276, plus strand): 5'-GGTACTGTCTGTGGTATGTGTCAAAGTGGCGCTGCCTGCTTGTGGTGCCAGCACGGCTGA[C>A]CCCCACGATCTCGGAACGAGCATATCTCGGTGGCACTAGGAGGGCGGCCCGCCTGCTTTC-3'
Protein context (NP_001005242.2, residues 192-212): PRYARSEIVG[Val202Phe]SRAGTTSRQR